The following is an entry in ClinVar:

ClinVar aggregate classification (germline): Uncertain significance (1 of 4 stars; one submission).

Conditions:
Inborn genetic diseases. Identifiers: MedGen C0950123, MeSH D030342.

Submission:

Ambry Genetics
Classification: Uncertain significance for Inborn genetic diseases. Last evaluated: 2025-09-04. Review status: criteria provided, single submitter. Criteria: Ambry Variant Classification Scheme 2023. Collection method: clinical testing. Allele origin: germline.
Comment: The p.V1229G variant (also known as c.3686T>G), located in coding exon 1 of the SAMD9L gene, results from a T to G substitution at nucleotide position 3686. The valine at codon 1229 is replaced by glycine, an amino acid with dissimilar properties. This amino acid position is conserved. In addition, this alteration is predicted to be tolerated by in silico analysis. Based on the available evidence, the clinical significance of this variant remains unclear.

NM_152703.5(SAMD9L):c.3686T>G (p.Val1229Gly)

Gene: SAMD9L (sterile alpha motif domain containing 9 like; minus strand). Cytogenetic location: 7q21.2.
Variant type: single nucleotide variant.
Coding change: c.3686T>G on transcript NM_152703.5 (MANE Select); coding-DNA position 3686, T replaced by G.
Protein change: p.Val1229Gly; replaces valine 1229 with glycine.
Molecular consequence: missense variant.
Genome position (GRCh38, 1-based): chr7:93,132,286, A>C on the plus strand (T>G on the coding strand, the complement: SAMD9L is on the minus strand). VCF-style: chr7-93132286-A-C. GRCh37 (hg19) VCF-style: chr7-92761599-A-C.
Other names: c.3686T>G, p.Val1229Gly (NM_001303496.3, NM_001303497.3, NM_001303498.3 and 5 more transcripts); short protein forms V1229G.
Identifiers: ClinVar variation 4159456 (VCV004159456.1).